The following is an entry in ClinVar:

NM_005670.4(EPM2A):c.157G>A (p.Ala53Thr)

Genes: EPM2A (EPM2A glucan phosphatase, laforin; minus strand), EPM2A-DT (EPM2A divergent transcript; plus strand), LOC129997381 (ATAC-STARR-seq lymphoblastoid silent region 17642; plus strand). Cytogenetic location: 6q24.3.
Variant type: single nucleotide variant.
Coding change: c.157G>A on transcript NM_005670.4 (MANE Select); coding-DNA position 157, G replaced by A.
Protein change: p.Ala53Thr; replaces alanine 53 with threonine.
Molecular consequence: missense variant. On other transcripts: 5 prime UTR variant (3), intron variant (1).
Genome position (GRCh38, 1-based): chr6:145,735,342, C>T on the plus strand (G>A on the coding strand, the complement: EPM2A is on the minus strand). VCF-style: chr6-145735342-C-T. GRCh37 (hg19) VCF-style: chr6-146056478-C-T.
Other names: p.A53T:GCC>ACC; c.157G>A, p.Ala53Thr (NM_001018041.2, NM_001360057.2, NM_001368130.1); c.-513G>A (NM_001360071.2); c.-467G>A (NM_001368129.2); c.-211G>A (NM_001368131.1); c.-114+566G>A (NM_001360064.2); short protein forms A53T.
Identifiers: ClinVar variation 205430 (VCV000205430.13), dbSNP rs763719276, ClinGen allele CA314492.

ClinVar aggregate classification (germline): Conflicting classifications of pathogenicity. Review status: criteria provided, conflicting classifications (1 of 4 stars). 5 submissions from 5 submitters: Uncertain significance (3); Likely benign (2). Last evaluated 2025-01-10.

Conditions:
Inborn genetic diseases. Identifiers: MedGen C0950123, MeSH D030342.
Progressive myoclonic epilepsy. Also called: Familial progressive myoclonic epilepsy; Myoclonic Epilepsies, Progressive; Progressive myoclonus epilepsy; Myoclonus epilepsy. Identifiers: Orphanet 308, Orphanet 98261, MedGen C0751778, MONDO:0020074.

Allele frequency attached by ClinVar (database versions not stated): gnomAD exomes 0.00008 and 0.00021; gnomAD 0.00009 and 0.00010; TOPMed 0.00010; ExAC 0.00040.
gnomAD v4.1: 121 of 1,362,738 alleles (0.0089%); highest among the groups gnomAD compares: Middle Eastern, 0.18%; no homozygotes.

Submissions (5):

Athena Diagnostics
Classification: Uncertain significance. Last evaluated: 2025-01-10. Review status: criteria provided, single submitter. Criteria: Athena Diagnostics Criteria. Collection method: clinical testing. Allele origin: unknown.
Comment: Available data are insufficient to determine the clinical significance of the variant at this time. The frequency of this variant in the general population is higher than would generally be expected for pathogenic variants in this gene. Polyphen and MutationTaster predict this amino acid change may be benign.

Blueprint Genetics
Classification: Uncertain significance. Last evaluated: 2024-11-08. Review status: criteria provided, single submitter. Criteria: ACMG Guidelines, 2015. Collection method: clinical testing. Allele origin: germline.

Ambry Genetics
Classification: Likely benign for Inborn genetic diseases. Last evaluated: 2024-01-02. Review status: criteria provided, single submitter. Criteria: Ambry Variant Classification Scheme 2023. Collection method: clinical testing. Allele origin: germline.

Labcorp Genetics (formerly Invitae), Labcorp
Classification: Uncertain significance for Progressive myoclonic epilepsy. Last evaluated: 2022-10-13. Review status: criteria provided, single submitter. Criteria: Invitae Variant Classification Sherloc (09022015). Collection method: clinical testing. Allele origin: germline.
Comment: This sequence change replaces alanine, which is neutral and non-polar, with threonine, which is neutral and polar, at codon 53 of the EPM2A protein (p.Ala53Thr). This variant is present in population databases (rs763719276, gnomAD 0.1%). This variant has not been reported in the literature in individuals affected with EPM2A-related conditions. ClinVar contains an entry for this variant (Variation ID: 205430). Algorithms developed to predict the effect of missense changes on protein structure and function (SIFT, PolyPhen-2, Align-GVGD) all suggest that this variant is likely to be tolerated. In summary, the available evidence is currently insufficient to determine the role of this variant in disease. Therefore, it has been classified as a Variant of Uncertain Significance.

GeneDx
Classification: Likely benign. Last evaluated: 2020-08-25. Review status: criteria provided, single submitter. Criteria: GeneDx Variant Classification Process June 2021. Collection method: clinical testing. Allele origin: germline. Affected: yes.